The following is an entry in ClinVar:

NM_005499.3(UBA2):c.71G>T (p.Gly24Val)

Genes: UBA2 (ubiquitin like modifier activating enzyme 2; plus strand), LOC130064190 (ATAC-STARR-seq lymphoblastoid silent region 10502; plus strand). Cytogenetic location: 19q13.11.
Variant type: single nucleotide variant.
Coding change: c.71G>T on transcript NM_005499.3 (MANE Select); coding-DNA position 71, G replaced by T.
Protein change: p.Gly24Val; replaces glycine 24 with valine.
Molecular consequence: missense variant.
Genome position (GRCh38, 1-based): chr19:34,428,503, G>T. VCF-style: chr19-34428503-G-T. GRCh37 (hg19) VCF-style: chr19-34919408-G-T.
Other names: short protein forms G24V.
Identifiers: ClinVar variation 979175 (VCV000979175.2), dbSNP rs2075211884, ClinGen allele CA405253621.

ClinVar aggregate classification (germline): Likely pathogenic. Review status: criteria provided, single submitter (1 of 4 stars). 2 submissions from 2 submitters: Likely pathogenic (1). 1 of the submissions does not count toward it. Last evaluated 2020-09-09.

Conditions:
ACCES syndrome (ACCES). Also called: APLASIA CUTIS CONGENITA WITH ECTRODACTYLY SKELETAL SYNDROME. Identifiers: MedGen C5677019, MONDO:0859262, OMIM 619959.

Submissions (2):

GeneDx
Classification: Likely pathogenic. Last evaluated: 2020-09-09. Review status: criteria provided, single submitter. Criteria: GeneDx Variant Classification (06012015). Collection method: clinical testing. Allele origin: germline. Affected: yes.
Comment: De novo variant with confirmed parentage in a patient with cutis aplasia in the published literature (Marble et al., 2017) Not observed in large population cohorts (Lek et al., 2016) In silico analysis supports that this missense variant has a deleterious effect on protein structure/function We interpret G24V as a likely pathogenic variant

OMIM
Classification: Pathogenic for ACCES SYNDROME. Last evaluated: 2022-07-14. Review status: no assertion criteria provided. Collection method: literature only. Allele origin: germline. Not counted in ClinVar's aggregate classification.

Literature cited by the submitters: PubMed 28110515 (cited by OMIM); PubMed 34040189 (cited by OMIM).